The following is an entry in ClinVar:

ClinVar aggregate classification (germline): Pathogenic (1 of 4 stars; one submission).

Submission:

CeGaT Center for Human Genetics Tuebingen
Classification: Pathogenic. Last evaluated: 2024-10-01. Review status: criteria provided, single submitter. Criteria: CeGaT Center For Human Genetics Tuebingen Variant Classification Criteria Version 2. Collection method: clinical testing. Allele origin: germline. Affected: yes. Observed: 1 variant allele.
Comment: ARMC2: PVS1, PM2, PM3:Supporting

NM_032131.6(ARMC2):c.279dup (p.Pro94fs)

Gene: ARMC2 (armadillo repeat containing 2; plus strand). Cytogenetic location: 6q21.
Variant type: Duplication.
Coding change: c.279dup on transcript NM_032131.6 (MANE Select); coding-DNA position 279, one base duplicated (T; older notation c.279dupT).
Protein change: p.Pro94fs; shifts the reading frame from proline 94.
Molecular consequence: frameshift variant. On other transcripts: intron variant (1).
Genome position (GRCh38, 1-based): chr6:108,858,259, T duplicated. VCF-style (leftmost placement, unchanged base first): chr6-108858258-G-GT. GRCh37 (hg19) VCF-style: chr6-109179461-G-GT.
Other names: c.-205+3774dup (NM_001286609.2); short protein forms P94fs.
Identifiers: ClinVar variation 3389825 (VCV003389825.14).
Genomic context (GRCh38, chr6:108,858,258, plus strand): 5'-GCCTCCATGCATCCAGTTTTGAGTCATCTGATTCCAGGCCTATCTCTGGCACACGTCTTA[G>GT]TCCACTAGAGCTGGTGAGTACTTTGTATAACCACCAGTAATTTATATTATGTTGTGAAAT-3'